The following is an entry in ClinVar:

NM_007294.4(BRCA1):c.5194-6T>C

Gene: BRCA1 (BRCA1 DNA repair associated; minus strand). Cytogenetic location: 17q21.31.
Variant type: single nucleotide variant.
Coding change: c.5194-6T>C on transcript NM_007294.4 (MANE Select); 6 bases into the intron before coding-DNA position 5194, T replaced by C.
Molecular consequence: intron variant.
Genome position (GRCh38, 1-based): chr17:43,057,141, A>G on the plus strand (T>C on the coding strand, the complement: BRCA1 is on the minus strand). VCF-style: chr17-43057141-A-G. GRCh37 (hg19) VCF-style: chr17-41209158-A-G.
Other names: c.5071-6T>C (NM_001407667.1, NM_001407668.1, NM_001407664.1 and 6 more transcripts); c.1765-6T>C (NM_001408423.1, NM_001408421.1, NM_001408424.1 and 1 more transcripts); c.1768-6T>C (NM_001408420.1, NM_001408419.1, NM_001408418.1); c.1879-6T>C (NM_001408404.1, NM_001408402.1, NM_001408473.1 and 8 more transcripts); c.1882-6T>C (NM_001408472.1, NM_001407990.1, NM_007299.4 and 12 more transcripts); c.1885-6T>C (NM_001407974.1, NM_001407973.1, NM_001407975.1 and 3 more transcripts); c.2587-6T>C (NM_001407969.1); c.2590-6T>C (NM_001407968.1); and 72 more.
Identifiers: ClinVar variation 868164 (VCV000868164.3), dbSNP rs201152151, ClinGen allele CA290823505.

Conditions:
Breast-ovarian cancer, familial, susceptibility to, 1 (BROVCA1). Also called: BRCA1 Hereditary Breast and Ovarian Cancer; OVARIAN CANCER, SUSCEPTIBILITY TO. Identifiers: Orphanet 145, MedGen C2676676, MONDO:0011450, OMIM 604370. Disease mechanism: loss of function.

Submission:

Brotman Baty Institute, University of Washington
No classification provided (evidence only). Condition: Breast-ovarian cancer, familial 1. Review status: no classification provided. Collection method: in vitro. Allele origin: not applicable. Functional consequence: functionally_normal.
ClinVar note: "not provided" was previously submitted as the classification for the variant. However, the classification appeared to be based only on an observation of functional data so it was converted to no classification on 2025-07-30.